The following is an entry in ClinVar:

NM_004076.5(CRYBB3):c.327+3G>C

Gene: CRYBB3 (crystallin beta B3; plus strand). Cytogenetic location: 22q11.23.
Variant type: single nucleotide variant.
Coding change: c.327+3G>C on transcript NM_004076.5 (MANE Select); 3 bases into the intron after coding-DNA position 327, G replaced by C.
Molecular consequence: intron variant.
Genome position (GRCh38, 1-based): chr22:25,203,898, G>C. VCF-style: chr22-25203898-G-C. GRCh37 (hg19) VCF-style: chr22-25599865-G-C.
Identifiers: ClinVar variation 2430391 (VCV002430391.1), dbSNP rs1934989289, ClinGen allele CA2398625378.

ClinVar aggregate classification (germline): Uncertain significance (1 of 4 stars; one submission).

Allele frequency attached by ClinVar (database versions not stated): TOPMed below 0.00001.
gnomAD v4.1: 1 of 1,614,162 alleles (0.000062%); no homozygotes.

Submission:

GeneDx
Classification: Uncertain significance. Last evaluated: 2022-08-17. Review status: criteria provided, single submitter. Criteria: GeneDx Variant Classification Process June 2021. Collection method: clinical testing. Allele origin: germline. Affected: yes.
Comment: Not observed at significant frequency in large population cohorts (gnomAD); In silico analysis supports a deleterious effect on splicing; Has not been previously published as pathogenic or benign to our knowledge.